The following is an entry in ClinVar:

NC_000016.9:g.(?_30199895)_(30237215_?)del

Genes: SULT1A3 (sulfotransferase family 1A member 3; plus strand), BOLA2B (bolA family member 2B; minus strand), CORO1A (coronin 1A; plus strand), SLX1A (SLX1 homolog A, structure-specific endonuclease subunit; plus strand). Cytogenetic location: 16p11.2.
Variant type: Deletion.
Identifiers: ClinVar variation 2425683 (VCV002425683.7).

ClinVar aggregate classification (germline): Uncertain significance (1 of 4 stars; one submission).

Conditions:
Severe combined immunodeficiency due to CORO1A deficiency. Also called: Immunodeficiency 8; IMMUNODEFICIENCY 8 WITH LYMPHOPROLIFERATION. Identifiers: Orphanet 228003, MedGen C3809383, MONDO:0014168, OMIM 615401.

Submission:

Labcorp Genetics (formerly Invitae), Labcorp
Classification: Uncertain significance for Severe combined immunodeficiency due to CORO1A deficiency. Last evaluated: 2022-03-17. Review status: criteria provided, single submitter. Criteria: Invitae Variant Classification Sherloc (09022015). Collection method: clinical testing. Allele origin: germline.
Comment: In summary, the available evidence is currently insufficient to determine the role of this variant in disease. Therefore, it has been classified as a Variant of Uncertain Significance. Experimental studies and prediction algorithms are not available or were not evaluated, and the functional significance of this variant is currently unknown. This variant has not been reported in the literature in individuals affected with CORO1A-related conditions. This variant results in the deletion of exon 11 and part of exon 10 (c.1280_*36931del) of the CORO1A gene. While this deletion is not anticipated to lead to nonsense mediated decay, it is expected to alter mRNA translation or result in a truncated protein product.